The following is an entry in ClinVar:

ClinVar aggregate classification (germline): Pathogenic (1 of 4 stars; one submission).

Conditions:
Alagille syndrome due to a JAG1 point mutation. Also called: HEPATIC DUCTULAR HYPOPLASIA, SYNDROMATIC; Alagille Syndrome 1; JAG1-Related Alagille Syndrome. Identifiers: Orphanet 261619, Orphanet 52, MedGen C1956125, MONDO:0016862, OMIM 118450.

Submission:

Labcorp Genetics (formerly Invitae), Labcorp
Classification: Pathogenic for Alagille syndrome due to a JAG1 point mutation. Last evaluated: 2021-06-12. Review status: criteria provided, single submitter. Criteria: Invitae Variant Classification Sherloc (09022015). Collection method: clinical testing. Allele origin: germline.
Comment: For these reasons, this variant has been classified as Pathogenic. This variant has been observed in individual(s) with Alagille syndrome (PMID: 31343788). This variant is not present in population databases (ExAC no frequency). This sequence change creates a premature translational stop signal (p.Pro380Leufs*32) in the JAG1 gene. It is expected to result in an absent or disrupted protein product. Loss-of-function variants in JAG1 are known to be pathogenic (PMID: 11180599).

Literature cited by the submitters: PubMed 31343788; PubMed 11180599.

NM_000214.3(JAG1):c.1139del (p.Pro380fs)

Gene: JAG1 (jagged canonical Notch ligand 1; minus strand). Cytogenetic location: 20p12.2.
Variant type: Deletion.
Coding change: c.1139del on transcript NM_000214.3 (MANE Select); coding-DNA position 1139, one base deleted (C; older notation c.1139delC).
Protein change: p.Pro380fs; shifts the reading frame from proline 380.
Molecular consequence: frameshift variant.
Genome position (GRCh38, 1-based): chr20:10,650,342, G deleted on the plus strand (C on the coding strand, the reverse complement: JAG1 is on the minus strand); the first of 2 consecutive G bases (chr20:10,650,342-10,650,343); deleting either gives the same sequence. VCF-style (leftmost placement, unchanged base first): chr20-10650341-AG-A. GRCh37 (hg19) VCF-style: chr20-10630989-AG-A.
Other names: short protein forms P380fs.
Identifiers: ClinVar variation 1353877 (VCV001353877.8), dbSNP rs2122611660, ClinGen allele CA2573156857.